The following is an entry in ClinVar:

NM_004646.4(NPHS1):c.3622_3625del (p.Asp1208fs)

Gene: NPHS1 (NPHS1 adhesion molecule, nephrin; minus strand). Cytogenetic location: 19q13.12.
Variant type: Deletion.
Coding change: c.3622_3625del on transcript NM_004646.4 (MANE Select); coding-DNA positions 3622 to 3625, 4 bases deleted (GACA; older notation c.3622_3625delGACA).
Protein change: p.Asp1208fs; shifts the reading frame from aspartic acid 1208.
Molecular consequence: frameshift variant.
Genome position (GRCh38, 1-based): chr19:35,826,615-35,826,618, TGTC deleted on the plus strand (GACA on the coding strand, the reverse complement: NPHS1 is on the minus strand); deleting any 4 consecutive bases within chr19:35,826,615-35,826,619 gives the same sequence; the c. name uses the placement nearest the transcript's 3' end. VCF-style (leftmost placement, unchanged base first): chr19-35826614-GTGTC-G. GRCh37 (hg19) VCF-style: chr19-36317516-GTGTC-G.
Other names: c.3622_3625delGACA (NM_004646.3); short protein forms D1208fs.
Identifiers: ClinVar variation 556423 (VCV000556423.7), dbSNP rs1186290245, ClinGen allele CA632775038.

ClinVar aggregate classification (germline): Conflicting classifications of pathogenicity. Review status: criteria provided, conflicting classifications (1 of 4 stars). 4 submissions from 4 submitters: Likely pathogenic (2); Uncertain significance (1). 1 of the submissions does not count toward it. Last evaluated 2024-11-19.

Conditions:
NPHS1-related disorder. Also called: NPHS1-related condition.
Finnish congenital nephrotic syndrome (NPHS1). Also called: NEPHROTIC SYNDROME, TYPE 1. Identifiers: Orphanet 839, MedGen C0403399, MONDO:0009732, OMIM 256300.

Submissions (4):

PreventionGenetics, part of Exact Sciences
Classification: Likely pathogenic for NPHS1-related condition. Last evaluated: 2024-11-19. Review status: criteria provided, single submitter. Criteria: ACMG Guidelines, 2015. Collection method: clinical testing. Allele origin: germline.
Comment: The NPHS1 c.3622_3625delGACA variant is predicted to result in a frameshift and premature protein termination (p.Asp1208Hisfs*28). To our knowledge, this variant has not been reported in the literature. This variant is reported in 0.0087% of alleles in individuals of Latino descent in gnomAD. Frameshift variants in NPHS1 are expected to be pathogenic. Specifically, with a second pathogenic variant, truncating variants resulting in premature protein termination downstream of this variant, which are close but still prior to the normal protein termination codon 1242, have been reported to be likely pathogenic for autosomal recessive nephrotic syndrome (see for example, c.3613del, p.Trp1205Glyfs*32 in Suppl. Table 2, Santín et al. 2011. PubMed ID: 21415313; c.3619del, p.Glu1207Lysfs*30 in Joshi et al. 2021. PubMed ID: 33980730). The c.3622_3625delGACA (p.Asp1208Hisfs*28) variant is interpreted as likely pathogenic.

Fulgent Genetics
Classification: Uncertain significance for Finnish congenital nephrotic syndrome. Last evaluated: 2024-05-20. Review status: criteria provided, single submitter. Criteria: ACMG Guidelines, 2015. Collection method: clinical testing. Allele origin: germline.

Baylor Genetics
Classification: Likely pathogenic for Finnish congenital nephrotic syndrome. Last evaluated: 2024-03-20. Review status: criteria provided, single submitter. Criteria: ACMG Guidelines, 2015. Collection method: clinical testing. Allele origin: unknown.

Counsyl
Classification: Uncertain significance for Finnish congenital nephrotic syndrome. Last evaluated: 2018-02-05. Review status: no assertion criteria provided. Collection method: clinical testing. Allele origin: unknown. Not counted in ClinVar's aggregate classification.